The following is an entry in ClinVar:

ClinVar aggregate classification (germline): Uncertain significance (1 of 4 stars; one submission).

Allele frequency attached by ClinVar (database versions not stated): gnomAD exomes below 0.00001; ExAC 0.00001.

Submission:

Labcorp Genetics (formerly Invitae), Labcorp
Classification: Uncertain significance. Last evaluated: 2022-10-18. Review status: criteria provided, single submitter. Criteria: Invitae Variant Classification Sherloc (09022015). Collection method: clinical testing. Allele origin: germline.
Comment: In summary, the available evidence is currently insufficient to determine the role of this variant in disease. Therefore, it has been classified as a Variant of Uncertain Significance. Advanced modeling of protein sequence and biophysical properties (such as structural, functional, and spatial information, amino acid conservation, physicochemical variation, residue mobility, and thermodynamic stability) performed at Invitae indicates that this missense variant is not expected to disrupt CRAT protein function. This sequence change replaces methionine, which is neutral and non-polar, with valine, which is neutral and non-polar, at codon 123 of the CRAT protein (p.Met123Val). This variant is present in population databases (rs755890935, gnomAD 0.0009%). This variant has not been reported in the literature in individuals affected with CRAT-related conditions. ClinVar contains an entry for this variant (Variation ID: 1380077).

NM_000755.5(CRAT):c.367A>G (p.Met123Val)

Gene: CRAT (carnitine O-acetyltransferase; minus strand). Cytogenetic location: 9q34.11.
Variant type: single nucleotide variant.
Coding change: c.367A>G on transcript NM_000755.5 (MANE Select); coding-DNA position 367, A replaced by G.
Protein change: p.Met123Val; replaces methionine 123 with valine.
Molecular consequence: missense variant.
Genome position (GRCh38, 1-based): chr9:129,104,231, T>C on the plus strand (A>G on the coding strand, the complement: CRAT is on the minus strand). VCF-style: chr9-129104231-T-C. GRCh37 (hg19) VCF-style: chr9-131866510-T-C.
Other names: c.304A>G, p.Met102Val (NM_001257363.3, NM_001346548.2, NM_004003.4); c.370A>G, p.Met124Val (NM_001346546.2); c.367A>G, p.Met123Val (NM_001346547.2); c.247A>G, p.Met83Val (NM_001346549.2); short protein forms M102V, M124V, M83V, M123V.
Identifiers: ClinVar variation 1380077 (VCV001380077.6), dbSNP rs755890935, ClinGen allele CA5275788.